The following is an entry in ClinVar:

NM_006659.4(TUBGCP2):c.1884C>T (p.Leu628=)

Gene: TUBGCP2 (tubulin gamma complex component 2; minus strand). Cytogenetic location: 10q26.3.
Variant type: single nucleotide variant.
Coding change: c.1884C>T on transcript NM_006659.4 (MANE Select); coding-DNA position 1884, C replaced by T.
Protein change: p.Leu628=; no amino-acid change (leucine 628 retained).
Molecular consequence: synonymous variant. On other transcripts: non-coding transcript variant (1).
Genome position (GRCh38, 1-based): chr10:133,285,467, G>A on the plus strand (C>T on the coding strand, the complement: TUBGCP2 is on the minus strand). VCF-style: chr10-133285467-G-A. GRCh37 (hg19) VCF-style: chr10-135098971-G-A.
Other names: c.1968C>T, p.Leu656= (NM_001256617.2); c.1494C>T, p.Leu498= (NM_001256618.2).
Identifiers: ClinVar variation 2672421 (VCV002672421.23), dbSNP rs1248246633, ClinGen allele CA472417793.
Genomic context (GRCh38, chr10:133,285,467, plus strand): 5'-GCCAAACCTGAGTGAAGATCTGGCAGGTGCCCGAGCAGCCGACCCGCACCTGTTGATGAT[G>A]AGCGAAAGGGGCCACTTGACGATGTAGTCGAAAGAGAAGGCCTCCAGGCCGCTCAGCGCC-3'
Protein context (NP_006650.1, residues 618-638): FDYIVKWPLS[Leu628=]IINRKALTRY

ClinVar aggregate classification (germline): Likely benign (1 of 4 stars; one submission).

Allele frequency attached by ClinVar (database versions not stated): gnomAD exomes 0.00001; TOPMed below 0.00001.
gnomAD v4.1: 9 of 1,613,602 alleles (0.00056%); highest among the groups gnomAD compares: Non-Finnish European, 0.00076%; no homozygotes.

Submission:

CeGaT Center for Human Genetics Tuebingen
Classification: Likely benign. Last evaluated: 2023-11-01. Review status: criteria provided, single submitter. Criteria: CeGaT Center For Human Genetics Tuebingen Variant Classification Criteria Version 2. Collection method: clinical testing. Allele origin: germline. Affected: yes. Observed: 1 variant allele.
Comment: TUBGCP2: BP4, BP7